The following is an entry in ClinVar:

NM_017849.4(TMEM127):c.10C>T (p.Pro4Ser)

Genes: TMEM127 (transmembrane protein 127; minus strand), LOC129934333 (ATAC-STARR-seq lymphoblastoid silent region 11759; plus strand). Cytogenetic location: 2q11.2.
Variant type: single nucleotide variant.
Coding change: c.10C>T on transcript NM_017849.4 (MANE Select); coding-DNA position 10, C replaced by T.
Protein change: p.Pro4Ser; replaces proline 4 with serine.
Molecular consequence: missense variant.
Genome position (GRCh38, 1-based): chr2:96,265,372, G>A on the plus strand (C>T on the coding strand, the complement: TMEM127 is on the minus strand). VCF-style: chr2-96265372-G-A. GRCh37 (hg19) VCF-style: chr2-96931110-G-A.
Other names: c.10C>T, p.Pro4Ser (NM_001193304.3); short protein forms P4S.
Identifiers: ClinVar variation 532515 (VCV000532515.12), dbSNP rs1024081498, ClinGen allele CA52419186.

ClinVar aggregate classification (germline): Uncertain significance. Review status: criteria provided, multiple submitters, no conflicts (2 of 4 stars). 3 submissions from 3 submitters: Uncertain significance (3). Last evaluated 2025-05-26.

Conditions:
Hereditary pheochromocytoma and paraganglioma. Also called: Hereditary Paraganglioma-Pheochromocytoma Syndromes; Hereditary paragangliomas and pheochromocytomas; Hereditary pheochromocytoma-paraganglioma. Identifiers: Orphanet 29072, MedGen C4274332, MONDO:0017366.
Hereditary cancer-predisposing syndrome. Also called: Neoplastic Syndromes, Hereditary; Hereditary Cancer Syndrome; Tumor predisposition; Hereditary neoplastic syndrome. Identifiers: Orphanet 140162, MedGen C0027672, MeSH D009386, MONDO:0015356.
Pheochromocytoma. Also called: MAX-Related Hereditary Paraganglioma-Pheochromocytoma Syndrome. Identifiers: Orphanet 29072, MedGen C0031511, MONDO:0008233, OMIM 171300, HP:0002666.

Allele frequency attached by ClinVar (database versions not stated): gnomAD 0.00001; gnomAD exomes 0.00001; TOPMed 0.00001.
gnomAD v4.1: 22 of 1,461,642 alleles (0.0015%); highest among the groups gnomAD compares: Non-Finnish European, 0.0009%; no homozygotes.

Submissions (3):

Labcorp Genetics (formerly Invitae), Labcorp
Classification: Uncertain significance for Hereditary pheochromocytoma and paraganglioma. Last evaluated: 2025-05-26. Review status: criteria provided, single submitter. Criteria: Invitae Variant Classification Sherloc (09022015). Collection method: clinical testing. Allele origin: germline.
Comment: This sequence change replaces proline, which is neutral and non-polar, with serine, which is neutral and polar, at codon 4 of the TMEM127 protein (p.Pro4Ser). This variant is not present in population databases (gnomAD no frequency). This variant has not been reported in the literature in individuals affected with TMEM127-related conditions. ClinVar contains an entry for this variant (Variation ID: 532515). Experimental studies and prediction algorithms are not available or were not evaluated, and the functional significance of this variant is currently unknown. In summary, the available evidence is currently insufficient to determine the role of this variant in disease. Therefore, it has been classified as a Variant of Uncertain Significance.

Ambry Genetics
Classification: Uncertain significance for Hereditary cancer-predisposing syndrome. Last evaluated: 2023-11-20. Review status: criteria provided, single submitter. Criteria: Ambry Variant Classification Scheme 2023. Collection method: clinical testing. Allele origin: germline.
Comment: The p.P4S variant (also known as c.10C>T), located in coding exon 1 of the TMEM127 gene, results from a C to T substitution at nucleotide position 10. The proline at codon 4 is replaced by serine, an amino acid with similar properties. This amino acid position is highly conserved in available vertebrate species. In addition, the in silico prediction for this alteration is inconclusive. Since supporting evidence is limited at this time, the clinical significance of this alteration remains unclear.

Baylor Genetics
Classification: Uncertain significance for Pheochromocytoma. Last evaluated: 2023-10-31. Review status: criteria provided, single submitter. Criteria: ACMG Guidelines, 2015. Collection method: clinical testing. Allele origin: unknown.